The following is an entry in ClinVar:

NM_000199.5(SGSH):c.1225C>T (p.Gln409Ter)

Gene: SGSH (N-sulfoglucosamine sulfohydrolase; minus strand). Cytogenetic location: 17q25.3.
Variant type: single nucleotide variant.
Coding change: c.1225C>T on transcript NM_000199.5 (MANE Select); coding-DNA position 1225, C replaced by T.
Protein change: p.Gln409Ter; replaces glutamine 409 with a stop codon.
Molecular consequence: nonsense. On other transcripts: 3 prime UTR variant (2), non-coding transcript variant (1).
Genome position (GRCh38, 1-based): chr17:80,210,736, G>A on the plus strand (C>T on the coding strand, the complement: SGSH is on the minus strand). VCF-style: chr17-80210736-G-A. GRCh37 (hg19) VCF-style: chr17-78184535-G-A.
Other names: c.1225C>T (NM_000199.4); c.*312C>T (NM_001352921.3); c.*275C>T (NM_001352922.2); short protein forms Q409*.
Identifiers: ClinVar variation 555736 (VCV000555736.7), dbSNP rs1323958195, ClinGen allele CA401358873.
Genomic context (GRCh38, chr17:80,210,736, plus strand): 5'-GACGGAGGTCCTTGTACCAGCCCGTGGGCTGACCAGCTGTGGTGCGGTTCAGGAGGTCCT[G>A]GAAGGTGGGTGAGACGTAGAAGTCCTGGTCGATGGGAAAGGGCATCTTGAAGTTGAGGTT-3'

ClinVar aggregate classification (germline): Pathogenic/Likely pathogenic. Review status: criteria provided, multiple submitters, no conflicts (2 of 4 stars). 4 submissions from 4 submitters: Pathogenic (1); Likely pathogenic (2). 1 of the submissions does not count toward it. Last evaluated 2024-04-15.

Conditions:
Mucopolysaccharidosis, MPS-III-A (MPS3A). Also called: SULFAMIDASE DEFICIENCY; MPS III A; MUCOPOLYSACCHARIDOSIS, TYPE IIIA, ATTENUATED; Mucopolysaccharidosis type IIIA (Sanfilippo A); Mucopolysaccharidosis, type IIIA; mucopolysaccharidosis type 3A. Identifiers: Orphanet 581, Orphanet 79269, MedGen C0086647, MONDO:0009655, OMIM 252900.

Allele frequency attached by ClinVar (database versions not stated): gnomAD 0.00001; TOPMed 0.00001.
gnomAD v4.1: 2 of 1,613,968 alleles (0.00012%); highest among the groups gnomAD compares: East Asian, 0.0022%; no homozygotes.

Submissions (4):

Natera, Inc.
Classification: Likely pathogenic for Mucopolysaccharidosis type IIIA. Last evaluated: 2024-04-15. Review status: criteria provided, single submitter. Criteria: Natera Variant Classification Schema (03/2026). Collection method: clinical testing. Allele origin: germline.
Comment: The c.1225C>T variant in SGSH is a nonsense variant predicted to introduce a stop codon at amino acid 409. This variant is expected to result in nonsense mediated decay, truncation, or a dysfunctional protein product. This variant is rare in the general population with a frequency below the threshold expected for the associated phenotype(s). Given the available evidence, this variant is classified as Likely Pathogenic.

Labcorp Genetics (formerly Invitae), Labcorp
Classification: Pathogenic for Mucopolysaccharidosis, MPS-III-A. Last evaluated: 2023-12-11. Review status: criteria provided, single submitter. Criteria: Invitae Variant Classification Sherloc (09022015). Collection method: clinical testing. Allele origin: germline.
Comment: This sequence change creates a premature translational stop signal (p.Gln409*) in the SGSH gene. While this is not anticipated to result in nonsense mediated decay, it is expected to disrupt the last 94 amino acid(s) of the SGSH protein. This variant is present in population databases (no rsID available, gnomAD 0.06%). This variant has not been reported in the literature in individuals affected with SGSH-related conditions. ClinVar contains an entry for this variant (Variation ID: 555736). This variant disrupts a region of the SGSH protein in which other variant(s) (p.W479*) have been determined to be pathogenic (PMID: 21204211). This suggests that this is a clinically significant region of the protein, and that variants that disrupt it are likely to be disease-causing. For these reasons, this variant has been classified as Pathogenic.

Baylor Genetics
Classification: Likely pathogenic for Mucopolysaccharidosis, MPS-III-A. Last evaluated: 2023-10-13. Review status: criteria provided, single submitter. Criteria: ACMG Guidelines, 2015. Collection method: clinical testing. Allele origin: unknown.

Counsyl
Classification: Likely pathogenic for Mucopolysaccharidosis, MPS-III-A. Last evaluated: 2017-12-27. Review status: no assertion criteria provided. Collection method: clinical testing. Allele origin: unknown. Not counted in ClinVar's aggregate classification.

Literature cited by the submitters: PubMed 21204211 (cited by Labcorp Genetics (formerly Invitae), Labcorp).